The following is an entry in ClinVar:

NM_004370.6(COL12A1):c.5543G>C (p.Arg1848Thr)

Gene: COL12A1 (collagen type XII alpha 1 chain; minus strand). Cytogenetic location: 6q13.
Variant type: single nucleotide variant.
Coding change: c.5543G>C on transcript NM_004370.6 (MANE Select); coding-DNA position 5543, G replaced by C.
Protein change: p.Arg1848Thr; replaces arginine 1848 with threonine.
Molecular consequence: missense variant.
Genome position (GRCh38, 1-based): chr6:75,133,979, C>G on the plus strand (G>C on the coding strand, the complement: COL12A1 is on the minus strand). VCF-style: chr6-75133979-C-G. GRCh37 (hg19) VCF-style: chr6-75843695-C-G.
Other names: c.5543G>C, p.Arg1848Thr (NM_001424113.1); c.5522G>C, p.Arg1841Thr (NM_001424114.1); c.5270G>C, p.Arg1757Thr (NM_001424115.1); c.2051G>C, p.Arg684Thr (NM_001424116.1, NM_080645.3); short protein forms R1757T, R1841T, R684T, R1848T.
Identifiers: ClinVar variation 4783189 (VCV004783189.1).

ClinVar aggregate classification (germline): Uncertain significance (1 of 4 stars; one submission).

Conditions:
Ullrich congenital muscular dystrophy 2 (UCMD2). Identifiers: Orphanet 75840, MedGen C4225314, MONDO:0014654, OMIM 616470.
Bethlem myopathy 2 (BTHLM2). Identifiers: Orphanet 536516, Orphanet 610, MedGen C4225313, MONDO:0034022, OMIM 616471.

Submission:

Labcorp Genetics (formerly Invitae), Labcorp
Classification: Uncertain significance for Bethlem myopathy 2; Ullrich congenital muscular dystrophy 2. Last evaluated: 2025-04-08. Review status: criteria provided, single submitter. Criteria: Invitae Variant Classification Sherloc (09022015). Collection method: clinical testing. Allele origin: germline.
Comment: This sequence change replaces arginine, which is basic and polar, with threonine, which is neutral and polar, at codon 1848 of the COL12A1 protein (p.Arg1848Thr). This variant is not present in population databases (gnomAD no frequency). This variant has not been reported in the literature in individuals affected with COL12A1-related conditions. Invitae Evidence Modeling of protein sequence and biophysical properties (such as structural, functional, and spatial information, amino acid conservation, physicochemical variation, residue mobility, and thermodynamic stability) indicates that this missense variant is not expected to disrupt COL12A1 protein function with a negative predictive value of 80%. In summary, the available evidence is currently insufficient to determine the role of this variant in disease. Therefore, it has been classified as a Variant of Uncertain Significance.